The following is an entry in ClinVar:

ClinVar aggregate classification (germline): Uncertain significance. Review status: criteria provided, multiple submitters, no conflicts (2 of 4 stars). 2 submissions from 2 submitters: Uncertain significance (2). Last evaluated 2026-04-16.

Conditions:
Inborn genetic diseases. Identifiers: MedGen C0950123, MeSH D030342.

Allele frequency attached by ClinVar (database versions not stated): gnomAD exomes below 0.00001; TOPMed 0.00008; ExAC 0.00005; ESP Exome Variant Server 0.00016.
gnomAD v4.1: 13 of 1,613,002 alleles (0.00081%); highest among the groups gnomAD compares: African/African-American, 0.016%; no homozygotes.

Submissions (2):

Ambry Genetics
Classification: Uncertain significance for Inborn genetic diseases. Last evaluated: 2026-04-16. Review status: criteria provided, single submitter. Criteria: Ambry Variant Classification Scheme 2023. Collection method: clinical testing. Allele origin: germline.

Labcorp Genetics (formerly Invitae), Labcorp
Classification: Uncertain significance. Last evaluated: 2022-03-20. Review status: criteria provided, single submitter. Criteria: Invitae Variant Classification Sherloc (09022015). Collection method: clinical testing. Allele origin: germline.
Comment: This variant has not been reported in the literature in individuals affected with OTOGL-related conditions. This sequence change replaces threonine, which is neutral and polar, with alanine, which is neutral and non-polar, at codon 859 of the OTOGL protein (p.Thr859Ala). This variant is present in population databases (rs200937113, gnomAD 0.05%). Algorithms developed to predict the effect of missense changes on protein structure and function (SIFT, PolyPhen-2, Align-GVGD) all suggest that this variant is likely to be tolerated. In summary, the available evidence is currently insufficient to determine the role of this variant in disease. Therefore, it has been classified as a Variant of Uncertain Significance.

NM_001378609.3(OTOGL):c.2602A>G (p.Thr868Ala)

Gene: OTOGL (otogelin like; plus strand). Cytogenetic location: 12q21.31.
Variant type: single nucleotide variant.
Coding change: c.2602A>G on transcript NM_001378609.3 (MANE Select); coding-DNA position 2602, A replaced by G.
Protein change: p.Thr868Ala; replaces threonine 868 with alanine.
Molecular consequence: missense variant.
Genome position (GRCh38, 1-based): chr12:80,271,731, A>G. VCF-style: chr12-80271731-A-G. GRCh37 (hg19) VCF-style: chr12-80665511-A-G.
Other names: c.2602A>G, p.Thr868Ala (NM_001368062.3, NM_001378610.3, NM_173591.7); c.2575A>G (NM_173591.3); short protein forms T868A.
Identifiers: ClinVar variation 2142195 (VCV002142195.5), dbSNP rs200937113, ClinGen allele CA6700853.
Genomic context (GRCh38, chr12:80,271,731, plus strand): 5'-GAGTATTTCGACTGCAGGTTTCCTGACCCTGAATTACCAGCTGGTGGTGTTAATTGTGAG[A>G]CTACATGTGCAAACCTAGCCATGAACTTCACCTGCACCCCATCCTCACCCTGTATAAGTG-3'
Protein context (NP_001365538.2, residues 858-878): ELPAGGVNCE[Thr868Ala]TCANLAMNFT